The following is an entry in ClinVar:

ClinVar aggregate classification (germline): Uncertain significance. Review status: criteria provided, multiple submitters, no conflicts (2 of 4 stars). 2 submissions from 2 submitters: Uncertain significance (2). Last evaluated 2023-08-18.

Conditions:
Congenital heart defects, multiple types, 2 (CHTD2). Also called: Congenital heart defects, nonsyndromic, 2. Identifiers: Orphanet 664401, MedGen C3554279, MONDO:0014000, OMIM 614980.

Allele frequency attached by ClinVar (database versions not stated): gnomAD exomes below 0.00001.

Submissions (2):

Labcorp Genetics (formerly Invitae), Labcorp
Classification: Uncertain significance. Last evaluated: 2023-08-18. Review status: criteria provided, single submitter. Criteria: Invitae Variant Classification Sherloc (09022015). Collection method: clinical testing. Allele origin: germline.
Comment: This variant is not present in population databases (gnomAD no frequency). This sequence change replaces isoleucine, which is neutral and non-polar, with threonine, which is neutral and polar, at codon 68 of the TAB2 protein (p.Ile68Thr). This variant has not been reported in the literature in individuals affected with TAB2-related conditions. ClinVar contains an entry for this variant (Variation ID: 1803739). Advanced modeling of protein sequence and biophysical properties (such as structural, functional, and spatial information, amino acid conservation, physicochemical variation, residue mobility, and thermodynamic stability) performed at Invitae indicates that this missense variant is not expected to disrupt TAB2 protein function. In summary, the available evidence is currently insufficient to determine the role of this variant in disease. Therefore, it has been classified as a Variant of Uncertain Significance.

HudsonAlpha Institute for Biotechnology
Classification: Uncertain significance for Congenital heart defects, multiple types, 2. Last evaluated: 2021-11-05. Review status: criteria provided, single submitter. Criteria: ACMG Guidelines, 2015. Collection method: research. Allele origin: unknown. Observed: 1 variant allele. Study: HudsonAlpha-AGHI-WGS.
Comment: ACMG codes: PM2

NM_001292034.3(TAB2):c.203T>C (p.Ile68Thr)

Gene: TAB2 (TGF-beta activated kinase 1 (MAP3K7) binding protein 2; plus strand). Cytogenetic location: 6q25.1.
Variant type: single nucleotide variant.
Coding change: c.203T>C on transcript NM_001292034.3 (MANE Select); coding-DNA position 203, T replaced by C.
Protein change: p.Ile68Thr; replaces isoleucine 68 with threonine.
Molecular consequence: missense variant.
Genome position (GRCh38, 1-based): chr6:149,378,118, T>C. VCF-style: chr6-149378118-T-C. GRCh37 (hg19) VCF-style: chr6-149699254-T-C.
Other names: c.107T>C, p.Ile36Thr (NM_001292035.3); c.203T>C, p.Ile68Thr (NM_001369506.1, NM_015093.6); short protein forms I36T, I68T.
Identifiers: ClinVar variation 1803739 (VCV001803739.4), dbSNP rs2483383686, ClinGen allele CA365993056.